The following continues an entry in ClinVar:

NM_000018.4(ACADVL):c.1322G>A (p.Gly441Asp)

Gene: ACADVL. ClinVar aggregate classification (germline): Pathogenic. Pathogenic (1).

Submissions 13 to 17 of 17:

Women's Health and Genetics/Laboratory Corporation of America, LabCorp
Classification: Pathogenic for Very long chain acyl-CoA dehydrogenase deficiency. Last evaluated: 2019-06-04. Review status: criteria provided, single submitter. Criteria: LabCorp Variant Classification Summary - May 2015. Collection method: clinical testing. Allele origin: germline. Not counted in ClinVar's aggregate classification.
Comment: Variant summary: ACADVL c.1322G>A (p.Gly441Asp) results in a non-conservative amino acid change located in the Acyl-CoA dehydrogenase/oxidase C-terminal domain (IPR009075) of the encoded protein sequence. Five of five in-silico tools predict a damaging effect of the variant on protein function. The variant allele was found at a frequency of 2.8e-05 in 251362 control chromosomes (gnomAD). c.1322G>A has been reported in the literature in multiple individuals affected with Very Long Chain Acyl-CoA Dehydrogenase Deficiency (Diekman_2015, Miller_2015, Gobin-Limballe_2010, Andresen_1996). These data indicate that the variant is very likely to be associated with disease. Experimental evidence evaluating an impact on protein function demonstrated fibroblast cells derived from VLCAD patients carrying p.Gly441Asp to have considerably reduced enzyme activity and long-chain fatty acid-oxidation flux compared to controls (Diekman_2015, Gobin-Limballe_2010, Andresen_1996). Three ClinVar submitters (evaluation after 2014) cite the variant as pathogenic. Based on the evidence outlined above, the variant was classified as pathogenic.

Center for Pediatric Genomic Medicine, Children's Mercy Hospital and Clinics
Classification: Pathogenic. Last evaluated: 2014-11-18. Review status: criteria provided, single submitter. Criteria: ACMG Guidelines, 2015. Collection method: clinical testing. Allele origin: germline. Not counted in ClinVar's aggregate classification.

Eurofins Ntd Llc (ga)
Classification: Pathogenic. Last evaluated: 2013-05-03. Review status: criteria provided, single submitter. Criteria: EGL Classification Definitions. Collection method: clinical testing. Allele origin: germline. Observed: 7 variant alleles, 7 heterozygotes. Not counted in ClinVar's aggregate classification.

Counsyl
Classification: Pathogenic for Very long chain acyl-CoA dehydrogenase deficiency. Last evaluated: 2018-05-04. Review status: no assertion criteria provided. Collection method: clinical testing. Allele origin: unknown. Not counted in ClinVar's aggregate classification.

OMIM
Classification: Pathogenic for VLCAD DEFICIENCY. Last evaluated: 1998-04-01. Review status: no assertion criteria provided. Collection method: literature only. Allele origin: germline. Not counted in ClinVar's aggregate classification.

Literature cited by the submitters: PubMed 8845838 (cited by 3 submitters); PubMed 16443431 (cited by Labcorp Genetics (formerly Invitae), Labcorp and Counsyl); PubMed 17999356 (cited by 3 submitters); PubMed 24305961 (cited by 3 submitters); PubMed 28871440 (cited by Natera, Inc.); PubMed 32061778 (cited by Natera, Inc. and Mayo Clinic Laboratories, Mayo Clinic); PubMed 25834949 (cited by 3 submitters); PubMed 31031081 (cited by Mayo Clinic Laboratories, Mayo Clinic); PubMed 30194637 (cited by Mayo Clinic Laboratories, Mayo Clinic); PubMed 16488171 (cited by Mayo Clinic Laboratories, Mayo Clinic); PubMed 25525159 (cited by Mayo Clinic Laboratories, Mayo Clinic); PubMed 20060901 (cited by Mayo Clinic Laboratories, Mayo Clinic and Women's Health and Genetics/Laboratory Corporation of America, LabCorp); PubMed 26385305 (cited by Women's Health and Genetics/Laboratory Corporation of America, LabCorp and Counsyl); PubMed 9546340 (cited by Counsyl and OMIM); PubMed 27246109 (cited by Counsyl); PubMed 10077518 (cited by Counsyl).